The following is an entry in ClinVar:

ClinVar aggregate classification (germline): Pathogenic/Likely pathogenic. Review status: criteria provided, multiple submitters, no conflicts (2 of 4 stars). 2 submissions from 2 submitters: Pathogenic (1); Likely pathogenic (1). Last evaluated 2025-10-06.

Conditions:
Primary ciliary dyskinesia. Also called: Ciliary dyskinesia. Identifiers: Orphanet 244, MedGen C0008780, MONDO:0016575, HP:0012265.

Allele frequency attached by ClinVar (database versions not stated): gnomAD exomes 0.00001; TOPMed 0.00001.
gnomAD v4.1: 3 of 1,614,174 alleles (0.00019%); highest among the groups gnomAD compares: Non-Finnish European, 0.00025%; no homozygotes.

Submissions (2):

Labcorp Genetics (formerly Invitae), Labcorp
Classification: Pathogenic for Primary ciliary dyskinesia. Last evaluated: 2025-10-06. Review status: criteria provided, single submitter. Criteria: Invitae Variant Classification Sherloc (09022015). Collection method: clinical testing. Allele origin: germline.
Comment: This sequence change replaces tryptophan, which is neutral and slightly polar, with arginine, which is basic and polar, at codon 4545 of the DNAH5 protein (p.Trp4545Arg). This variant is not present in population databases (gnomAD no frequency). This missense change has been observed in individual(s) with primary ciliary dyskinesia (PMID: 26228299; internal data). In at least one individual the data is consistent with being in trans (on the opposite chromosome) from a pathogenic variant. It has also been observed to segregate with disease in related individuals. ClinVar contains an entry for this variant (Variation ID: 454745). Invitae Evidence Modeling of protein sequence and biophysical properties (such as structural, functional, and spatial information, amino acid conservation, physicochemical variation, residue mobility, and thermodynamic stability) has been performed for this missense variant. However, the output from this modeling did not meet the statistical confidence thresholds required to predict the impact of this variant on DNAH5 protein function. For these reasons, this variant has been classified as Pathogenic.

Natera, Inc.
Classification: Likely pathogenic for Primary ciliary dyskinesia. Last evaluated: 2024-06-28. Review status: criteria provided, single submitter. Criteria: Natera Variant Classification Schema (03/2026). Collection method: clinical testing. Allele origin: germline.
Comment: The c.13633T>C variant in DNAH5 is a missense variant predicted to cause substitution of tryptophan to arginine at amino acid 4545. This variant is rare in the general population with a frequency below the threshold expected for the associated phenotype(s). This variant has been observed in one or more individuals affected with the associated recessive disease, as either homozygous or compound heterozygous with a second variant (PMID: 26228299). Additionally, this variant has been observed to segregate in affected family members (PMID: 26228299). Computational prediction algorithms indicate this variant is likely to affect gene or protein function. Given the available evidence, this variant is classified as Likely Pathogenic.

Literature cited by the submitters: PubMed 26228299 (cited by Labcorp Genetics (formerly Invitae), Labcorp and Natera, Inc.).

NM_001369.3(DNAH5):c.13633T>C (p.Trp4545Arg)

Gene: DNAH5 (dynein axonemal heavy chain 5; minus strand). Cytogenetic location: 5p15.2.
Variant type: single nucleotide variant.
Coding change: c.13633T>C on transcript NM_001369.3 (MANE Select); coding-DNA position 13633, T replaced by C.
Protein change: p.Trp4545Arg; replaces tryptophan 4545 with arginine.
Molecular consequence: missense variant.
Genome position (GRCh38, 1-based): chr5:13,700,730, A>G on the plus strand (T>C on the coding strand, the complement: DNAH5 is on the minus strand). VCF-style: chr5-13700730-A-G. GRCh37 (hg19) VCF-style: chr5-13700839-A-G.
Other names: short protein forms W4545R.
Identifiers: ClinVar variation 454745 (VCV000454745.11), dbSNP rs1161303371, ClinGen allele CA359191333.